The following is an entry in ClinVar:

ClinVar aggregate classification (germline): Likely pathogenic (1 of 4 stars; one submission).

Conditions:
Propionic acidemia (PROP). Also called: GLYCINEMIA, KETOTIC; HYPERGLYCINEMIA WITH KETOACIDOSIS AND LEUKOPENIA; KETOTIC HYPERGLYCINEMIA. Identifiers: Orphanet 35, MedGen C0268579, MONDO:0011628, OMIM 606054, HP:0003571.

Submission:

Labcorp Genetics (formerly Invitae), Labcorp
Classification: Likely pathogenic for Propionyl-CoA carboxylase deficiency. Last evaluated: 2019-07-05. Review status: criteria provided, single submitter. Criteria: Invitae Variant Classification Sherloc (09022015). Collection method: clinical testing. Allele origin: germline.
Comment: This variant is an in-frame deletion of the genomic region encompassing exon 21 of the PCCA gene. It preserves the integrity of the reading frame. A similar deletion of exon 21 has been observed to be homozygous in an individual affected with propionic acidemia (PMID: 15059621). This variant has been reported to affect PCCA protein function (PMID: 12385775). In summary, the currently available evidence indicates that the variant is pathogenic, but additional data are needed to prove that conclusively. Therefore, this variant has been classified as Likely Pathogenic.

Literature cited by the submitters: PubMed 12385775; PubMed 15059621.

NC_000013.11:g.(?_100449242)_(100491683_?)del

Gene: PCCA (propionyl-CoA carboxylase subunit alpha; plus strand). Cytogenetic location: 13q32.3.
Variant type: Deletion.
Identifiers: ClinVar variation 832782 (VCV000832782.1).